The following is an entry in ClinVar:

ClinVar aggregate classification (germline): Uncertain significance (1 of 4 stars; one submission).

Allele frequency attached by ClinVar (database versions not stated): ExAC 0.00002; gnomAD 0.00002; TOPMed 0.00003.
gnomAD v4.1: 17 of 1,612,938 alleles (0.0011%); highest among the groups gnomAD compares: Non-Finnish European, 0.0014%; no homozygotes.

Submission:

Labcorp Genetics (formerly Invitae), Labcorp
Classification: Uncertain significance. Last evaluated: 2024-11-08. Review status: criteria provided, single submitter. Criteria: Invitae Variant Classification Sherloc (09022015). Collection method: clinical testing. Allele origin: germline.
Comment: This sequence change replaces arginine, which is basic and polar, with tryptophan, which is neutral and slightly polar, at codon 73 of the SEPT9 protein (p.Arg73Trp). This variant is present in population databases (rs761487397, gnomAD 0.003%). This variant has not been reported in the literature in individuals affected with SEPT9-related conditions. ClinVar contains an entry for this variant (Variation ID: 2723492). Invitae Evidence Modeling of protein sequence and biophysical properties (such as structural, functional, and spatial information, amino acid conservation, physicochemical variation, residue mobility, and thermodynamic stability) indicates that this missense variant is not expected to disrupt SEPT9 protein function with a negative predictive value of 80%. In summary, the available evidence is currently insufficient to determine the role of this variant in disease. Therefore, it has been classified as a Variant of Uncertain Significance.

NM_001113491.2(SEPTIN9):c.271C>T (p.Arg91Trp)

Gene: SEPTIN9 (septin 9; plus strand). Cytogenetic location: 17q25.3.
Variant type: single nucleotide variant.
Coding change: c.271C>T on transcript NM_001113491.2 (MANE Select); coding-DNA position 271, C replaced by T.
Protein change: p.Arg91Trp; replaces arginine 91 with tryptophan.
Molecular consequence: missense variant. On other transcripts: 5 prime UTR variant (2).
Genome position (GRCh38, 1-based): chr17:77,402,253, C>T. VCF-style: chr17-77402253-C-T. GRCh37 (hg19) VCF-style: chr17-75398335-C-T.
Other names: c.-222C>T (NM_001113492.2, NM_001113494.1); c.250C>T, p.Arg84Trp (NM_001113493.2); c.214C>T, p.Arg72Trp (NM_001293695.2); c.217C>T, p.Arg73Trp (NM_006640.5); short protein forms R73W, R84W, R91W, R72W.
Identifiers: ClinVar variation 2723492 (VCV002723492.3), dbSNP rs761487397, ClinGen allele CA8793160.